The following is an entry in ClinVar:

NM_198253.3(TERT):c.403G>C (p.Gly135Arg)

Gene: TERT (telomerase reverse transcriptase; minus strand). Cytogenetic location: 5p15.33.
Variant type: single nucleotide variant.
Coding change: c.403G>C on transcript NM_198253.3 (MANE Select); coding-DNA position 403, G replaced by C.
Protein change: p.Gly135Arg; replaces glycine 135 with arginine.
Molecular consequence: missense variant. On other transcripts: non-coding transcript variant (2).
Genome position (GRCh38, 1-based): chr5:1,294,483, C>G on the plus strand (G>C on the coding strand, the complement: TERT is on the minus strand). VCF-style: chr5-1294483-C-G. GRCh37 (hg19) VCF-style: chr5-1294598-C-G.
Other names: c.403G>C, p.Gly135Arg (NM_001193376.3); short protein forms G135R.
Identifiers: ClinVar variation 1470238 (VCV001470238.6), dbSNP rs200843534, ClinGen allele CA359058103.

ClinVar aggregate classification (germline): Uncertain significance (1 of 4 stars; one submission).

Conditions:
Idiopathic Pulmonary Fibrosis. Also called: Idiopathic fibrosing alveolitis, chronic form; idiopathic fibrosing alveolitis. Identifiers: Orphanet 2032, MedGen C1800706, MeSH D054990, MONDO:0800504.
Dyskeratosis congenita, autosomal dominant 2. Identifiers: MedGen C3151443, MONDO:0013521, OMIM 613989.

gnomAD v4.1: 1 of 1,588,898 alleles (0.000063%); highest among the groups gnomAD compares: Non-Finnish European, 0.000085%; no homozygotes.

Submission:

Labcorp Genetics (formerly Invitae), Labcorp
Classification: Uncertain significance for Dyskeratosis congenita, autosomal dominant 2; Idiopathic Pulmonary Fibrosis. Last evaluated: 2021-09-03. Review status: criteria provided, single submitter. Criteria: Invitae Variant Classification Sherloc (09022015). Collection method: clinical testing. Allele origin: germline.
Comment: This sequence change replaces glycine with arginine at codon 135 of the TERT protein (p.Gly135Arg). The glycine residue is weakly conserved and there is a moderate physicochemical difference between glycine and arginine. This variant is not present in population databases (ExAC no frequency). This variant has not been reported in the literature in individuals affected with TERT-related conditions. Advanced modeling of protein sequence and biophysical properties (such as structural, functional, and spatial information, amino acid conservation, physicochemical variation, residue mobility, and thermodynamic stability) performed at Invitae indicates that this missense variant is expected to disrupt TERT protein function. In summary, the available evidence is currently insufficient to determine the role of this variant in disease. Therefore, it has been classified as a Variant of Uncertain Significance.